The following is an entry in ClinVar:

ClinVar aggregate classification (germline): Uncertain significance (1 of 4 stars; one submission).

Allele frequency attached by ClinVar (database versions not stated): ExAC 0.00001; gnomAD exomes 0.00001; gnomAD 0.00003 and 0.00004; TOPMed 0.00006.
gnomAD v4.1: 15 of 1,614,040 alleles (0.00093%); highest among the groups gnomAD compares: Middle Eastern, 0.016%; no homozygotes.

Submission:

Labcorp Genetics (formerly Invitae), Labcorp
Classification: Uncertain significance. Last evaluated: 2019-07-13. Review status: criteria provided, single submitter. Criteria: Invitae Variant Classification Sherloc (09022015). Collection method: clinical testing. Allele origin: germline.
Comment: This variant has not been reported in the literature in individuals with BPTF-related conditions. This variant is present in population databases (rs778763746, ExAC 0.01%). This sequence change replaces leucine with serine at codon 1355 of the BPTF protein (p.Leu1355Ser). The leucine residue is weakly conserved and there is a large physicochemical difference between leucine and serine. Algorithms developed to predict the effect of missense changes on protein structure and function are either unavailable or do not agree on the potential impact of this missense change (SIFT: "Deleterious"; PolyPhen-2: "Benign"; Align-GVGD: "Class C0"). In summary, the available evidence is currently insufficient to determine the role of this variant in disease. Therefore, it has been classified as a Variant of Uncertain Significance.

NM_182641.4(BPTF):c.3686T>C (p.Leu1229Ser)

Gene: BPTF (bromodomain PHD finger transcription factor; plus strand). Cytogenetic location: 17q24.2.
Variant type: single nucleotide variant.
Coding change: c.3686T>C on transcript NM_182641.4 (MANE Select); coding-DNA position 3686, T replaced by C.
Protein change: p.Leu1229Ser; replaces leucine 1229 with serine.
Molecular consequence: missense variant.
Genome position (GRCh38, 1-based): chr17:67,911,570, T>C. VCF-style: chr17-67911570-T-C. GRCh37 (hg19) VCF-style: chr17-65907686-T-C.
Other names: c.4064T>C, p.Leu1355Ser (NM_004459.7); short protein forms L1355S, L1229S.
Identifiers: ClinVar variation 954333 (VCV000954333.9), dbSNP rs778763746, ClinGen allele CA8725683.